The following is an entry in ClinVar:

NM_198253.3(TERT):c.2480A>T (p.Gln827Leu)

Gene: TERT (telomerase reverse transcriptase; minus strand). Cytogenetic location: 5p15.33.
Variant type: single nucleotide variant.
Coding change: c.2480A>T on transcript NM_198253.3 (MANE Select); coding-DNA position 2480, A replaced by T.
Protein change: p.Gln827Leu; replaces glutamine 827 with leucine.
Molecular consequence: missense variant. On other transcripts: non-coding transcript variant (2).
Genome position (GRCh38, 1-based): chr5:1,268,622, T>A on the plus strand (A>T on the coding strand, the complement: TERT is on the minus strand). VCF-style: chr5-1268622-T-A. GRCh37 (hg19) VCF-style: chr5-1268737-T-A.
Other names: c.2480A>T, p.Gln827Leu (NM_001193376.3); short protein forms Q827L.
Identifiers: ClinVar variation 4182819 (VCV004182819.1).

ClinVar aggregate classification (germline): Uncertain significance (1 of 4 stars; one submission).

Conditions:
Dyskeratosis congenita. Identifiers: Orphanet 1775, MedGen C0265965, MONDO:0015780.

Submission:

Ambry Genetics
Classification: Uncertain significance for Dyskeratosis congenita. Last evaluated: 2025-08-31. Review status: criteria provided, single submitter. Criteria: Ambry Variant Classification Scheme 2023. Collection method: clinical testing. Allele origin: germline.
Comment: The p.Q827L variant (also known as c.2480A>T), located in coding exon 9 of the TERT gene, results from an A to T substitution at nucleotide position 2480. The glutamine at codon 827 is replaced by leucine, an amino acid with dissimilar properties. This amino acid position is conserved. In addition, this alteration is predicted to be deleterious by in silico analysis. Based on the available evidence, the clinical significance of this variant remains unclear.